The following is an entry in ClinVar:

NM_016383.5(LUZP4):c.881C>T (p.Ser294Phe)

Gene: LUZP4 (leucine zipper protein 4; plus strand). Cytogenetic location: Xq23.
Variant type: single nucleotide variant.
Coding change: c.881C>T on transcript NM_016383.5 (MANE Select); coding-DNA position 881, C replaced by T.
Protein change: p.Ser294Phe; replaces serine 294 with phenylalanine.
Molecular consequence: missense variant.
Genome position (GRCh38, 1-based): chrX:115,306,743, C>T. VCF-style: chrX-115306743-C-T. GRCh37 (hg19) VCF-style: chrX-114541308-C-T.
Other names: c.635C>T, p.Ser212Phe (NM_001318840.2); short protein forms S212F, S294F.
Identifiers: ClinVar variation 4548547 (VCV004548547.1).

ClinVar aggregate classification (germline): Uncertain significance (1 of 4 stars; one submission).

gnomAD v4.1: 5 of 1,209,113 alleles (0.00041%); highest among the groups gnomAD compares: Admixed American, 0.011%; no homozygotes.

Submission:

Ambry Genetics
Classification: Uncertain significance. Last evaluated: 2025-10-02. Review status: criteria provided, single submitter. Criteria: Ambry Variant Classification Scheme 2023. Collection method: clinical testing. Allele origin: germline.
Comment: The c.881C>T (p.S294F) alteration is located in exon 4 (coding exon 4) of the LUZP4 gene. This alteration results from a C to T substitution at nucleotide position 881, causing the serine (S) at amino acid position 294 to be replaced by a phenylalanine (F). Based on data from gnomAD, the T allele has an overall frequency of 0.002% (3/183085) total alleles studied. The highest observed frequency was 0.011% (3/27412) of Latino alleles. Based on insufficient or conflicting evidence, the clinical significance of this alteration remains unclear.